The following is an entry in ClinVar:

NM_004656.4(BAP1):c.581-1G>A

Gene: BAP1 (BRCA1 associated deubiquitinase 1; minus strand). Cytogenetic location: 3p21.1.
Variant type: single nucleotide variant.
Coding change: c.581-1G>A on transcript NM_004656.4 (MANE Select); the canonical splice acceptor site of the intron before coding-DNA position 581, G replaced by A.
Molecular consequence: splice acceptor variant.
Genome position (GRCh38, 1-based): chr3:52,406,908, C>T on the plus strand (G>A on the coding strand, the complement: BAP1 is on the minus strand). VCF-style: chr3-52406908-C-T. GRCh37 (hg19) VCF-style: chr3-52440924-C-T.
Other names: c.581-1G>A (NM_001410772.1).
Identifiers: ClinVar variation 539910 (VCV000539910.6), dbSNP rs1553645729, ClinGen allele CA353109259.

ClinVar aggregate classification (germline): Pathogenic (1 of 4 stars; one submission).

Conditions:
BAP1-related tumor predisposition syndrome (TPDS1). Also called: COMMON Syndrome; Tumor susceptibility linked to germline BAP1 mutations; BAP1 tumor predisposition syndrome; TUMOR PREDISPOSITION SYNDROME 1. Identifiers: Orphanet 289539, MedGen C3280492, MONDO:0013692, OMIM 614327.

Submission:

Labcorp Genetics (formerly Invitae), Labcorp
Classification: Pathogenic for BAP1-related tumor predisposition syndrome. Last evaluated: 2022-03-19. Review status: criteria provided, single submitter. Criteria: Invitae Variant Classification Sherloc (09022015). Collection method: clinical testing. Allele origin: germline.
Comment: This sequence change affects an acceptor splice site in intron 7 of the BAP1 gene. It is expected to disrupt RNA splicing. Variants that disrupt the donor or acceptor splice site typically lead to a loss of protein function (PMID: 16199547), and loss-of-function variants in BAP1 are known to be pathogenic (PMID: 21874000, 23684012). This variant is not present in population databases (gnomAD no frequency). Disruption of this splice site has been observed in individuals with clinical features of BAP1 tumor predisposition syndrome (Invitae). ClinVar contains an entry for this variant (Variation ID: 539910). Algorithms developed to predict the effect of sequence changes on RNA splicing suggest that this variant may disrupt the consensus splice site. For these reasons, this variant has been classified as Pathogenic.

Literature cited by the submitters: PubMed 16199547; PubMed 21874000; PubMed 23684012.